The following is an entry in ClinVar:

NM_003743.5(NCOA1):c.1154G>A (p.Arg385Gln)

Gene: NCOA1 (nuclear receptor coactivator 1; plus strand). Cytogenetic location: 2p23.3.
Variant type: single nucleotide variant.
Coding change: c.1154G>A on transcript NM_003743.5 (MANE Select); coding-DNA position 1154, G replaced by A.
Protein change: p.Arg385Gln; replaces arginine 385 with glutamine.
Molecular consequence: missense variant.
Genome position (GRCh38, 1-based): chr2:24,706,624, G>A. VCF-style: chr2-24706624-G-A. GRCh37 (hg19) VCF-style: chr2-24929493-G-A.
Other names: c.1154G>A, p.Arg385Gln (NM_001362950.1, NM_001362952.1, NM_001362954.1 and 3 more transcripts); short protein forms R385Q.
Identifiers: ClinVar variation 2635745 (VCV002635745.3), dbSNP rs776205465, ClinGen allele CA1552196.

ClinVar aggregate classification (germline): Uncertain significance (1 of 4 stars; one submission).

Conditions:
NCOA1-related disorder. Also called: NCOA1-related condition.

Allele frequency attached by ClinVar (database versions not stated): ExAC 0.00002; gnomAD exomes 0.00005; TOPMed 0.00016; gnomAD 0.00018.
gnomAD v4.1: 105 of 1,613,922 alleles (0.0065%); highest among the groups gnomAD compares: Admixed American, 0.068%; no homozygotes.

Submission:

PreventionGenetics, part of Exact Sciences
Classification: Uncertain significance for NCOA1-related condition. Last evaluated: 2026-01-20. Review status: criteria provided, single submitter. Criteria: ACMG Guidelines, 2015. Collection method: clinical testing. Allele origin: germline.
Comment: The NCOA1 c.1154G>A variant is predicted to result in the amino acid substitution p.Arg385Gln. This variant has been reported in three individuals from cohort studies of obese individuals (Sun and Xu. 2020. PubMed ID: 32449767; Yang et al. 2019. PubMed ID: 30979869; Cacciottolo et al. 2022. PMID: 35137184), and in vitro studies suggested that the variant causes a reduction in NCOA1-induced expression of POMC (Yang et al. 2019. PubMed ID: 30979869). This variant is reported in 0.031% of alleles in individuals of Latino descent in gnomAD. Although we suspect this variant may be pathogenic, at this time, the clinical significance of this variant is uncertain due to the absence of conclusive functional and genetic evidence.